The following is an entry in ClinVar:

NM_000179.3(MSH6):c.242C>T (p.Ala81Val)

Gene: MSH6 (mutS homolog 6; plus strand). Cytogenetic location: 2p16.3.
Variant type: single nucleotide variant.
Coding change: c.242C>T on transcript NM_000179.3 (MANE Select); coding-DNA position 242, C replaced by T.
Protein change: p.Ala81Val; replaces alanine 81 with valine.
Molecular consequence: missense variant. On other transcripts: 5 prime UTR variant (1), intron variant (1).
Genome position (GRCh38, 1-based): chr2:47,783,475, C>T. VCF-style: chr2-47783475-C-T. GRCh37 (hg19) VCF-style: chr2-48010614-C-T.
Other names: p.A81V:GCG>GTG; c.-495C>T (NM_001281493.2); c.237+5C>T (NM_001281492.2); short protein forms A81V.
Identifiers: ClinVar variation 127571 (VCV000127571.38), dbSNP rs587779924, ClinGen allele CA010271.

ClinVar aggregate classification (germline): Conflicting classifications of pathogenicity. Review status: criteria provided, conflicting classifications (1 of 4 stars). 15 submissions from 15 submitters: Uncertain significance (8); Likely benign (6). 1 of the submissions does not count toward it. Last evaluated 2026-01-26.

Conditions:
Endometrial carcinoma. Also called: Endometrial carcinoma, somatic. Identifiers: MedGen C0476089, MONDO:0002447, OMIM 608089, HP:0012114.
Lynch syndrome 5 (LYNCH5). Also called: Hereditary non-polyposis colorectal cancer, type 5; Colorectal cancer, hereditary nonpolyposis, type 5. Identifiers: Orphanet 144, MedGen C1833477, MONDO:0013710, OMIM 614350. Disease mechanism: loss of function.
Mismatch repair cancer syndrome 3. Identifiers: MedGen C5436807, MONDO:0030841, OMIM 619097.
MSH6-related disorder. Also called: MSH6-related condition; MSH6-Related disorders.
Hereditary nonpolyposis colorectal neoplasms. Identifiers: MedGen C0009405, MeSH D003123.
Hereditary cancer-predisposing syndrome. Also called: Neoplastic Syndromes, Hereditary; Tumor predisposition; Hereditary Cancer Syndrome; Hereditary neoplastic syndrome. Identifiers: Orphanet 140162, MedGen C0027672, MeSH D009386, MONDO:0015356.

Allele frequency attached by ClinVar (database versions not stated): TOPMed 0.00002; gnomAD 0.00004 and 0.00005.
gnomAD v4.1: 164 of 1,439,308 alleles (0.011%); highest among the groups gnomAD compares: Non-Finnish European, 0.015%; no homozygotes.

Submissions (15):

Labcorp Genetics (formerly Invitae), Labcorp
Classification: Likely benign for Hereditary nonpolyposis colorectal neoplasms. Last evaluated: 2026-01-26. Review status: criteria provided, single submitter. Criteria: Invitae Variant Classification Sherloc (09022015). Collection method: clinical testing. Allele origin: germline.

PreventionGenetics, part of Exact Sciences
Classification: Likely benign for MSH6-related condition. Last evaluated: 2025-11-18. Review status: criteria provided, single submitter. Criteria: ACMG Guidelines, 2015. Collection method: clinical testing. Allele origin: germline.
Comment: This variant is classified as likely benign based on ACMG/AMP sequence variant interpretation guidelines (Richards et al. 2015 PMID: 25741868, with internal and published modifications).

Women's Health and Genetics/Laboratory Corporation of America, LabCorp
Classification: Likely benign. Last evaluated: 2025-10-03. Review status: criteria provided, single submitter. Criteria: LabCorp Variant Classification Summary - May 2015. Collection method: clinical testing. Allele origin: germline.
Comment: Variant summary: MSH6 c.242C>T (p.Ala81Val) results in a non-conservative amino acid change in the encoded protein sequence. Algorithms developed to predict the effect of missense changes on protein structure and function are either unavailable or do not agree on the potential impact of this missense change. The variant allele was found at a frequency of 0.00011 in 1439308 control chromosomes, predominantly at a frequency of 0.00015 within the Non-Finnish European subpopulation in the gnomAD database. The observed variant frequency within Non-Finnish European control individuals in the gnomAD database exceeds the estimated maximal expected allele frequency for disease-causing variants in MSH6. c.242C>T has been observed in an individual affected with overian cancer and an individual affected with colorectal cancer, without strong evidence for causality (Pal_2013, Pearlman_2021). These reports do not provide unequivocal conclusions about association of the variant with Hereditary Nonpolyposis Colorectal Cancer. To our knowledge, no experimental evidence demonstrating an impact on protein function has been reported. The following publications have been ascertained in the context of this evaluation (PMID: 23047549, 34250417). ClinVar contains an entry for this variant (Variation ID: 127571). Based on the evidence outlined above, the variant was classified as likely benign.

Molecular Pathology, Peter Maccallum Cancer Centre
Classification: Uncertain significance for Lynch syndrome 5. Last evaluated: 2025-05-09. Review status: criteria provided, single submitter. Criteria: ACMG Guidelines, 2015. Collection method: clinical testing. Allele origin: germline. Inheritance: Autosomal dominant inheritance.

Mayo Clinic Laboratories, Mayo Clinic
Classification: Uncertain significance. Last evaluated: 2024-12-18. Review status: criteria provided, single submitter. Criteria: ACMG Guidelines, 2015. Collection method: clinical testing. Allele origin: germline. Observed: 1 variant allele.
Comment: BP4

Myriad Genetics, Inc.
Classification: Likely benign for Lynch syndrome 5. Last evaluated: 2024-12-17. Review status: criteria provided, single submitter. Criteria: Myriad Autosomal Dominant, Autosomal Recessive and X-Linked Classification Criteria (2023). Collection method: clinical testing. Allele origin: unknown.
Comment: This variant is considered likely benign. This variant is strongly associated with less severe personal and family histories of cancer, typical for individuals without pathogenic variants in this gene [PMID: 27363726].

Blueprint Genetics
Classification: Uncertain significance. Last evaluated: 2024-11-06. Review status: criteria provided, single submitter. Criteria: ACMG Guidelines, 2015. Collection method: clinical testing. Allele origin: germline.

Color Diagnostics, LLC DBA Color Health
Classification: Likely benign for Hereditary cancer-predisposing syndrome. Last evaluated: 2024-10-02. Review status: criteria provided, single submitter. Criteria: ACMG Guidelines, 2015. Collection method: clinical testing. Allele origin: germline.

Department of Pathology and Laboratory Medicine, Sinai Health System
Classification: Uncertain significance for Endometrial carcinoma; Lynch syndrome 5; Mismatch repair cancer syndrome 3. Last evaluated: 2024-08-13. Review status: criteria provided, single submitter. Criteria: ACMG Guidelines, 2015. Collection method: clinical testing. Allele origin: germline.

GeneDx
Classification: Uncertain significance. Last evaluated: 2024-06-24. Review status: criteria provided, single submitter. Criteria: GeneDx Variant Classification Process June 2021. Collection method: clinical testing. Allele origin: germline. Affected: yes.
Comment: Not observed at significant frequency in large population cohorts (gnomAD); In silico analysis indicates that this missense variant does not alter protein structure/function; In silico analysis suggests this variant may impact gene splicing. In the absence of RNA/functional studies, the actual effect of this sequence change is unknown.; Observed in individuals with ovarian cancer or microsatellite stable colon cancer (PMID: 23047549, 29596542); This variant is associated with the following publications: (PMID: 23047549, 31391288, 23621914, 29596542, 27882345, 25085752)

Quest Diagnostics Nichols Institute San Juan Capistrano
Classification: Uncertain significance. Last evaluated: 2023-09-12. Review status: criteria provided, single submitter. Criteria: Quest Diagnostics criteria. Collection method: clinical testing. Allele origin: unknown.
Comment: In the published literature, this variant has been reported in individuals with lung cancer (PMID: 27882345 (2016)) and ovarian cancer (PMID: 23047549 (2012)). It was also identified in cutaneous sarcomatoid carcinoma (PMID: 32540221 (2020)) and a tumor of the colon (PMID: 29596542 (2018)). The frequency of this variant in the general population, 0.000074 (5/67954 chromosomes (Genome Aggregation Database)), is uninformative in the assessment of its pathogenicity. Analysis of this variant using bioinformatics tools for the prediction of the effect of amino acid changes on protein structure and function yielded predictions that this variant is benign. Based on the available information, we are unable to determine the clinical significance of this variant.

Baylor Genetics
Classification: Uncertain significance for Endometrial carcinoma. Last evaluated: 2023-08-14. Review status: criteria provided, single submitter. Criteria: ACMG Guidelines, 2015. Collection method: clinical testing. Allele origin: unknown.

Sema4
Classification: Uncertain significance for Hereditary cancer-predisposing syndrome. Last evaluated: 2021-12-22. Review status: criteria provided, single submitter. Criteria: Sema4 Curation Guidelines. Collection method: curation. Allele origin: germline.
Comment: The MSH6 c.242C>T (p.A81V) variant has been reported in heterozygosity in one individual with MSI stable colon cancer (PMID: 29596542) and in individuals with ovarian cancer or lung adenocarcinoma (PMID: 23047549, 27882345). This variant was observed in 3/37478 chromosomes in the Non-Finnish European population according to the Genome Aggregation Database (PMID: 32461654). This variant has been reported in ClinVar (Variation ID: 127571). Functional studies have not been performed, and in silico predictions of the variant's effect on protein function are inconclusive. The overall evidence is inconsistent with ACMG/AMP requirements for the classification of benign or pathogenic. In summary, the clinical significance of this variant is currently uncertain.

Ambry Genetics
Classification: Likely benign for Hereditary cancer-predisposing syndrome. Last evaluated: 2018-03-02. Review status: criteria provided, single submitter. Criteria: Ambry Variant Classification Scheme 2023. Collection method: clinical testing. Allele origin: germline.

Counsyl
Classification: Uncertain significance for Lynch syndrome 5. Last evaluated: 2015-12-07. Review status: no assertion criteria provided. Collection method: clinical testing. Allele origin: unknown. Not counted in ClinVar's aggregate classification.

Literature cited by the submitters: PubMed 23047549 (cited by 6 submitters); PubMed 34250417 (cited by Women's Health and Genetics/Laboratory Corporation of America, LabCorp); PubMed 29596542 (cited by 4 submitters); PubMed 27363726 (cited by Myriad Genetics, Inc.); PubMed 27882345 (cited by 3 submitters); PubMed 36259290 (cited by Quest Diagnostics Nichols Institute San Juan Capistrano); PubMed 32540221 (cited by Quest Diagnostics Nichols Institute San Juan Capistrano); PubMed 23621914 (cited by Quest Diagnostics Nichols Institute San Juan Capistrano and Counsyl).